The following is an entry in ClinVar:

NM_000600.5(IL6):c.603C>T (p.Phe201=)

Gene: IL6 (interleukin 6; plus strand). Cytogenetic location: 7p15.3.
Variant type: single nucleotide variant.
Coding change: c.603C>T on transcript NM_000600.5 (MANE Select); coding-DNA position 603, C replaced by T.
Protein change: p.Phe201=; no amino-acid change (phenylalanine 201 retained).
Molecular consequence: synonymous variant.
Genome position (GRCh38, 1-based): chr7:22,731,537, C>T. VCF-style: chr7-22731537-C-T. GRCh37 (hg19) VCF-style: chr7-22771156-C-T.
Other names: c.375C>T, p.Phe125= (NM_001318095.2); c.534C>T, p.Phe178= (NM_001371096.1).
Identifiers: ClinVar variation 3056054 (VCV003056054.2), dbSNP rs2069849, ClinGen allele CA4185495.

ClinVar aggregate classification (germline): Benign (0 of 4 stars; one submission).

Conditions:
IL6-related disorder. Also called: IL6-related condition.

Allele frequency attached by ClinVar (database versions not stated): gnomAD exomes 0.02967; ExAC 0.04612; gnomAD 0.06061; ESP Exome Variant Server 0.06236; TOPMed 0.06768; 1000 Genomes Project 0.07009; 1000 Genomes Project 30x 0.07448.
gnomAD v4.1: 52,638 of 1,605,788 alleles (3.3%); highest among the groups gnomAD compares: African/African-American, 15%; 1,687 homozygotes.

Submission:

PreventionGenetics, part of Exact Sciences
Classification: Benign for IL6-related condition. Last evaluated: 2019-10-24. Review status: no assertion criteria provided. Collection method: clinical testing. Allele origin: germline.
Comment: This variant is classified as benign based on ACMG/AMP sequence variant interpretation guidelines (Richards et al. 2015 PMID: 25741868, with internal and published modifications).